The following is an entry in ClinVar:

Conditions:
Breast-ovarian cancer, familial, susceptibility to, 1 (BROVCA1). Also called: BRCA1 Hereditary Breast and Ovarian Cancer; OVARIAN CANCER, SUSCEPTIBILITY TO. Identifiers: Orphanet 145, MedGen C2676676, MONDO:0011450, OMIM 604370. Disease mechanism: loss of function.

Submission:

Brotman Baty Institute, University of Washington
No classification provided (evidence only). Condition: Breast-ovarian cancer, familial 1. Review status: no classification provided. Collection method: in vitro. Allele origin: not applicable. Functional consequence: functionally_normal.
ClinVar note: "not provided" was previously submitted as the classification for the variant. However, the classification appeared to be based only on an observation of functional data so it was converted to no classification on 2025-07-30.

NM_007294.4(BRCA1):c.5337A>T (p.Gln1779His)

Gene: BRCA1 (BRCA1 DNA repair associated; minus strand). Cytogenetic location: 17q21.31.
Variant type: single nucleotide variant.
Coding change: c.5337A>T on transcript NM_007294.4 (MANE Select); coding-DNA position 5337, A replaced by T.
Protein change: p.Gln1779His; replaces glutamine 1779 with histidine.
Molecular consequence: missense variant. On other transcripts: non-coding transcript variant (1), intron variant (1).
Genome position (GRCh38, 1-based): chr17:43,049,190, T>A on the plus strand (A>T on the coding strand, the complement: BRCA1 is on the minus strand). VCF-style: chr17-43049190-T-A. GRCh37 (hg19) VCF-style: chr17-41201207-T-A.
Other names: c.5073A>T, p.Gln1691His (NM_001407922.1, NM_001407923.1, NM_001407924.1 and 4 more transcripts); c.5067A>T, p.Gln1689His (NM_001407936.1, NM_001407934.1, NM_001407935.1); c.5004A>T, p.Gln1668His (NM_001407946.1, NM_001407947.1, NM_001407948.1 and 1 more transcripts); c.5001A>T, p.Gln1667His (NM_001407950.1, NM_001407951.1, NM_001407952.1 and 3 more transcripts); c.4830A>T, p.Gln1610His (NM_001407965.1); c.4449A>T, p.Gln1483His (NM_001407966.1); c.4446A>T, p.Gln1482His (NM_001407967.1); c.2733A>T, p.Gln911His (NM_001407968.1); and 73 more; short protein forms Q1732H, Q1800H, Q1779H, Q675H, Q1482H, Q1483H, Q1652H, Q1712H.
Identifiers: ClinVar variation 868021 (VCV000868021.3), dbSNP rs876659718, ClinGen allele CA10590787.